The following is an entry in ClinVar:

NM_004092.4(ECHS1):c.709G>A (p.Val237Ile)

Gene: ECHS1 (enoyl-CoA hydratase, short chain 1; minus strand). Cytogenetic location: 10q26.3.
Variant type: single nucleotide variant.
Coding change: c.709G>A on transcript NM_004092.4 (MANE Select); coding-DNA position 709, G replaced by A.
Protein change: p.Val237Ile; replaces valine 237 with isoleucine.
Molecular consequence: missense variant.
Genome position (GRCh38, 1-based): chr10:133,366,006, C>T on the plus strand (G>A on the coding strand, the complement: ECHS1 is on the minus strand). VCF-style: chr10-133366006-C-T. GRCh37 (hg19) VCF-style: chr10-135179510-C-T.
Other names: short protein forms V237I.
Identifiers: ClinVar variation 1470285 (VCV001470285.8), dbSNP rs1391669542, ClinGen allele CA378818581.

ClinVar aggregate classification (germline): Uncertain significance (1 of 4 stars; one submission).

Allele frequency attached by ClinVar (database versions not stated): TOPMed below 0.00001; gnomAD 0.00001.
gnomAD v4.1: 1 of 1,613,900 alleles (0.000062%); highest among the groups gnomAD compares: East Asian, 0.0022%; no homozygotes.

Submission:

Labcorp Genetics (formerly Invitae), Labcorp
Classification: Uncertain significance. Last evaluated: 2021-04-08. Review status: criteria provided, single submitter. Criteria: Invitae Variant Classification Sherloc (09022015). Collection method: clinical testing. Allele origin: germline.
Comment: In summary, the available evidence is currently insufficient to determine the role of this variant in disease. Therefore, it has been classified as a Variant of Uncertain Significance. Advanced modeling of protein sequence and biophysical properties (such as structural, functional, and spatial information, amino acid conservation, physicochemical variation, residue mobility, and thermodynamic stability) performed at Invitae indicates that this missense variant is not expected to disrupt ECHS1 protein function. This variant has not been reported in the literature in individuals with ECHS1-related conditions. This variant is not present in population databases (ExAC no frequency). This sequence change replaces valine with isoleucine at codon 237 of the ECHS1 protein (p.Val237Ile). The valine residue is weakly conserved and there is a small physicochemical difference between valine and isoleucine.